The following is an entry in ClinVar:

ClinVar aggregate classification (germline): Likely pathogenic (1 of 4 stars; one submission).

Conditions:
Marfan syndrome (MFS). Also called: FBN1-Related Marfan Syndrome; Marfan syndrome, classic; MARFAN SYNDROME, TYPE I; Marfan syndrome type 1; Marfan's syndrome. Identifiers: Orphanet 284963, Orphanet 558, MedGen C0024796, MONDO:0007947, OMIM 154700.

Submission:

Laboratory for Molecular Medicine, Mass General Brigham Personalized Medicine
Classification: Likely pathogenic for Marfan syndrome. Last evaluated: 2014-02-17. Review status: criteria provided, single submitter. Criteria: LMM Criteria. Collection method: clinical testing. Allele origin: germline. Inheritance: Autosomal dominant inheritance. Observed: 2 variant alleles.
Comment: The Phe187fs variant in FBN1 has now been identified by our laboratory in two in dividuals with clinical features of Marfan syndrome, and was shown to have occur red de novo in one of these individuals (LMM unpublished data). This frameshift variant is predicted to alter the protein?s amino acid sequence beginning at pos ition 187 and lead to a premature termination codon 3 amino acids downstream. Th is alteration is then predicted to lead to a truncated or absent protein. In sum mary, this variant is likely to be pathogenic, though additional studies are req uired to fully establish its clinical significance.

NM_000138.5(FBN1):c.561del (p.Phe187fs)

Gene: FBN1 (fibrillin 1; minus strand). Cytogenetic location: 15q21.1.
Variant type: Deletion.
Coding change: c.561del on transcript NM_000138.5 (MANE Select); coding-DNA position 561, one base deleted (T; older notation c.561delT).
Protein change: p.Phe187fs; shifts the reading frame from phenylalanine 187.
Molecular consequence: frameshift variant.
Genome position (GRCh38, 1-based): chr15:48,537,786, A deleted on the plus strand (T on the coding strand, the reverse complement: FBN1 is on the minus strand); the first of 4 consecutive A bases (chr15:48,537,786-48,537,789); deleting any one gives the same sequence. VCF-style (leftmost placement, unchanged base first): chr15-48537785-TA-T. GRCh37 (hg19) VCF-style: chr15-48829982-TA-T.
Other names: c.561delT (NM_000138.4); short protein forms F187fs.
Identifiers: ClinVar variation 42389 (VCV000042389.4), dbSNP rs397515825, ClinGen allele CA015919.
Genomic context (GRCh38, chr15:48,537,785, plus strand): 5'-GCGTTTTTGTGCAGACAATCCCGCTGAGTTGTCCCTGGCACATCTGGTTGCTGATCACAG[TA>T]AAACATGGGCCTGTCCTGTAATCTGAAAATAAAGAATAAAAATCTGATGAAAATCCAGAA-3'